The following is an entry in ClinVar:

NM_002299.4(LCT):c.4060T>G (p.Tyr1354Asp)

Gene: LCT (lactase; minus strand). Cytogenetic location: 2q21.3.
Variant type: single nucleotide variant.
Coding change: c.4060T>G on transcript NM_002299.4 (MANE Select); coding-DNA position 4060, T replaced by G.
Protein change: p.Tyr1354Asp; replaces tyrosine 1354 with aspartic acid.
Molecular consequence: missense variant.
Genome position (GRCh38, 1-based): chr2:135,807,241, A>C on the plus strand (T>G on the coding strand, the complement: LCT is on the minus strand). VCF-style: chr2-135807241-A-C. GRCh37 (hg19) VCF-style: chr2-136564811-A-C.
Other names: short protein forms Y1354D.
Identifiers: ClinVar variation 1384334 (VCV001384334.6), dbSNP rs2105531426, ClinGen allele CA348597584.

ClinVar aggregate classification (germline): Uncertain significance (1 of 4 stars; one submission).

Submission:

Labcorp Genetics (formerly Invitae), Labcorp
Classification: Uncertain significance. Last evaluated: 2024-02-17. Review status: criteria provided, single submitter. Criteria: Invitae Variant Classification Sherloc (09022015). Collection method: clinical testing. Allele origin: germline.
Comment: This sequence change replaces tyrosine, which is neutral and polar, with aspartic acid, which is acidic and polar, at codon 1354 of the LCT protein (p.Tyr1354Asp). This variant is not present in population databases (gnomAD no frequency). This variant has not been reported in the literature in individuals affected with LCT-related conditions. ClinVar contains an entry for this variant (Variation ID: 1384334). Advanced modeling of protein sequence and biophysical properties (such as structural, functional, and spatial information, amino acid conservation, physicochemical variation, residue mobility, and thermodynamic stability) performed at Invitae indicates that this missense variant is expected to disrupt LCT protein function with a positive predictive value of 80%. In summary, the available evidence is currently insufficient to determine the role of this variant in disease. Therefore, it has been classified as a Variant of Uncertain Significance.